The following is an entry in ClinVar:

NM_006082.3(TUBA1B):c.474A>T (p.Ser158=)

Gene: TUBA1B (tubulin alpha 1b; minus strand). Cytogenetic location: 12q13.12.
Variant type: single nucleotide variant.
Coding change: c.474A>T on transcript NM_006082.3 (MANE Select); coding-DNA position 474, A replaced by T.
Protein change: p.Ser158=; no amino-acid change (serine 158 retained).
Molecular consequence: synonymous variant.
Genome position (GRCh38, 1-based): chr12:49,128,840, T>A on the plus strand (A>T on the coding strand, the complement: TUBA1B is on the minus strand). VCF-style: chr12-49128840-T-A. GRCh37 (hg19) VCF-style: chr12-49522623-T-A.
Identifiers: ClinVar variation 4872339 (VCV004872339.2).

ClinVar aggregate classification (germline): Likely benign (1 of 4 stars; one submission).

Submission:

CeGaT Center for Human Genetics Tuebingen
Classification: Likely benign. Last evaluated: 2026-05-01. Review status: criteria provided, single submitter. Criteria: CeGaT Center For Human Genetics Tuebingen Variant Classification Criteria Version 2. Collection method: clinical testing. Allele origin: germline. Affected: yes. Observed: 1 variant allele.
Comment: TUBA1B: PM2:Supporting, BP4, BP7